The following is an entry in ClinVar:

NM_001355436.2(SPTB):c.2603A>C (p.Glu868Ala)

Gene: SPTB (spectrin beta, erythrocytic; minus strand). Cytogenetic location: 14q23.3.
Variant type: single nucleotide variant.
Coding change: c.2603A>C on transcript NM_001355436.2 (MANE Select); coding-DNA position 2603, A replaced by C.
Protein change: p.Glu868Ala; replaces glutamic acid 868 with alanine.
Molecular consequence: missense variant.
Genome position (GRCh38, 1-based): chr14:64,793,060, T>G on the plus strand (A>C on the coding strand, the complement: SPTB is on the minus strand). VCF-style: chr14-64793060-T-G. GRCh37 (hg19) VCF-style: chr14-65259778-T-G.
Other names: NM_000347.5:c.2603A>C; c.2603A>C, p.Glu868Ala (NM_001024858.4, NM_001355437.2); short protein forms E868A.
Identifiers: ClinVar variation 3169500 (VCV003169500.3), dbSNP rs2503156454, ClinGen allele CA390016257.

ClinVar aggregate classification (germline): Uncertain significance. Review status: criteria provided, multiple submitters, no conflicts (2 of 4 stars). 2 submissions from 2 submitters: Uncertain significance (2). Last evaluated 2024-09-13.

Conditions:
Inborn genetic diseases. Identifiers: MedGen C0950123, MeSH D030342.

Submissions (2):

Labcorp Genetics (formerly Invitae), Labcorp
Classification: Uncertain significance. Last evaluated: 2024-09-13. Review status: criteria provided, single submitter. Criteria: Invitae Variant Classification Sherloc (09022015). Collection method: clinical testing. Allele origin: germline.
Comment: This sequence change replaces glutamic acid, which is acidic and polar, with alanine, which is neutral and non-polar, at codon 868 of the SPTB protein (p.Glu868Ala). This variant is not present in population databases (gnomAD no frequency). This variant has not been reported in the literature in individuals affected with SPTB-related conditions. An algorithm developed to predict the effect of missense changes on protein structure and function (PolyPhen-2) suggests that this variant is likely to be disruptive. In summary, the available evidence is currently insufficient to determine the role of this variant in disease. Therefore, it has been classified as a Variant of Uncertain Significance.

Ambry Genetics
Classification: Uncertain significance for Inborn genetic diseases. Last evaluated: 2023-10-05. Review status: criteria provided, single submitter. Criteria: Ambry Variant Classification Scheme 2023. Collection method: clinical testing. Allele origin: germline.